The following is an entry in ClinVar:

ClinVar aggregate classification (germline): Uncertain significance (1 of 4 stars; one submission).

Conditions:
Hereditary cancer-predisposing syndrome. Also called: Hereditary Cancer Syndrome; Tumor predisposition; Hereditary neoplastic syndrome; Neoplastic Syndromes, Hereditary. Identifiers: Orphanet 140162, MedGen C0027672, MeSH D009386, MONDO:0015356.

gnomAD v4.1: 1 of 1,613,476 alleles (0.000062%); highest among the groups gnomAD compares: Non-Finnish European, 0.000085%; no homozygotes.

Submission:

Ambry Genetics
Classification: Uncertain significance for Hereditary cancer-predisposing syndrome. Last evaluated: 2024-05-05. Review status: criteria provided, single submitter. Criteria: Ambry Variant Classification Scheme 2023. Collection method: clinical testing. Allele origin: germline.
Comment: The p.A304D variant (also known as c.911C>A), located in coding exon 10 of the BAP1 gene, results from a C to A substitution at nucleotide position 911. The alanine at codon 304 is replaced by aspartic acid, an amino acid with dissimilar properties. This amino acid position is conserved. In addition, this alteration is predicted to be tolerated by in silico analysis. Based on the available evidence, the clinical significance of this variant remains unclear.

NM_004656.4(BAP1):c.911C>A (p.Ala304Asp)

Gene: BAP1 (BRCA1 associated deubiquitinase 1; minus strand). Cytogenetic location: 3p21.1.
Variant type: single nucleotide variant.
Coding change: c.911C>A on transcript NM_004656.4 (MANE Select); coding-DNA position 911, C replaced by A.
Protein change: p.Ala304Asp; replaces alanine 304 with aspartic acid.
Molecular consequence: missense variant.
Genome position (GRCh38, 1-based): chr3:52,405,785, G>T on the plus strand (C>A on the coding strand, the complement: BAP1 is on the minus strand). VCF-style: chr3-52405785-G-T. GRCh37 (hg19) VCF-style: chr3-52439801-G-T.
Other names: c.857C>A, p.Ala286Asp (NM_001410772.1); short protein forms A304D, A286D.
Identifiers: ClinVar variation 3260357 (VCV003260357.1).